The following is an entry in ClinVar:

NM_000208.4(INSR):c.796G>A (p.Glu266Lys)

Gene: INSR (insulin receptor; minus strand). Cytogenetic location: 19p13.2.
Variant type: single nucleotide variant.
Coding change: c.796G>A on transcript NM_000208.4 (MANE Select); coding-DNA position 796, G replaced by A.
Protein change: p.Glu266Lys; replaces glutamic acid 266 with lysine.
Molecular consequence: missense variant.
Genome position (GRCh38, 1-based): chr19:7,184,494, C>T on the plus strand (G>A on the coding strand, the complement: INSR is on the minus strand). VCF-style: chr19-7184494-C-T. GRCh37 (hg19) VCF-style: chr19-7184505-C-T.
Other names: c.796G>A, p.Glu266Lys (NM_001079817.3); short protein forms E266K.
Identifiers: ClinVar variation 2628511 (VCV002628511.1), dbSNP rs556954154, ClinGen allele CA9136007.
Genomic context (GRCh38, chr19:7,184,494, plus strand): 5'-AGAAGCTGAAGTTCACACAGCGCCAGTCCTGGAAGTGGTAGTACGGGGGCGGGCAGGTCT[C>T]CACACACCTGCCGTCCAGGTAGAAGTTGCGGCAGGCCACGCACTTGGTGGGGTCGTCGGG-3'
Protein context (NP_000199.2, residues 256-276): RNFYLDGRCV[Glu266Lys]TCPPPYYHFQ

ClinVar aggregate classification (germline): Uncertain significance (1 of 4 stars; one submission).

Conditions:
INSR-related disorder.

Allele frequency attached by ClinVar (database versions not stated): gnomAD exomes 0.00001; ExAC 0.00002; gnomAD 0.00009; TOPMed 0.00011; 1000 Genomes Project 30x 0.00016; 1000 Genomes Project 0.00020.
gnomAD v4.1: 18 of 1,613,962 alleles (0.0011%); highest among the groups gnomAD compares: African/African-American, 0.024%; no homozygotes.

Submission:

PreventionGenetics, part of Exact Sciences
Classification: Uncertain significance for INSR-related condition. Last evaluated: 2022-11-17. Review status: criteria provided, single submitter. Criteria: ACMG Guidelines, 2015. Collection method: clinical testing. Allele origin: germline.
Comment: The INSR c.796G>A variant is predicted to result in the amino acid substitution p.Glu266Lys. To our knowledge, this variant has not been reported in the literature. This variant is reported in 0.024% of alleles in individuals of African descent in gnomAD. At this time, the clinical significance of this variant is uncertain due to the absence of conclusive functional and genetic evidence.